The following is an entry in ClinVar:

ClinVar aggregate classification (germline): Uncertain significance. Review status: criteria provided, multiple submitters, no conflicts (2 of 4 stars). 3 submissions from 3 submitters: Uncertain significance (3). Last evaluated 2025-09-17.

Conditions:
Cardiovascular phenotype. Identifiers: MedGen CN230736.
Dilated cardiomyopathy 1JJ (CMD1JJ). Identifiers: Orphanet 154, MedGen C3808935, MONDO:0014095, OMIM 615235.

Allele frequency attached by ClinVar (database versions not stated): gnomAD exomes below 0.00001; TOPMed below 0.00001; gnomAD 0.00001.

Submissions (3):

Ambry Genetics
Classification: Uncertain significance for Cardiovascular phenotype. Last evaluated: 2025-09-17. Review status: criteria provided, single submitter. Criteria: Ambry Variant Classification Scheme 2023. Collection method: clinical testing. Allele origin: germline.
Comment: The p.T1258A variant (also known as c.3772A>G), located in coding exon 27 of the LAMA4 gene, results from an A to G substitution at nucleotide position 3772. The threonine at codon 1258 is replaced by alanine, an amino acid with similar properties. This amino acid position is conserved. In addition, this alteration is predicted to be deleterious by in silico analysis. Since supporting evidence is limited at this time, the clinical significance of this alteration remains unclear.

Labcorp Genetics (formerly Invitae), Labcorp
Classification: Uncertain significance for Dilated cardiomyopathy 1JJ. Last evaluated: 2022-11-01. Review status: criteria provided, single submitter. Criteria: Invitae Variant Classification Sherloc (09022015). Collection method: clinical testing. Allele origin: germline.
Comment: In summary, the available evidence is currently insufficient to determine the role of this variant in disease. Therefore, it has been classified as a Variant of Uncertain Significance. Algorithms developed to predict the effect of missense changes on protein structure and function (SIFT, PolyPhen-2, Align-GVGD) all suggest that this variant is likely to be disruptive. ClinVar contains an entry for this variant (Variation ID: 1368459). This variant has not been reported in the literature in individuals affected with LAMA4-related conditions. This variant is not present in population databases (gnomAD no frequency). This sequence change replaces threonine, which is neutral and polar, with alanine, which is neutral and non-polar, at codon 1258 of the LAMA4 protein (p.Thr1258Ala).

AiLife Diagnostics
Classification: Uncertain significance. Last evaluated: 2021-08-11. Review status: criteria provided, single submitter. Criteria: ACMG Guidelines, 2015. Collection method: clinical testing. Allele origin: germline. Affected: yes. Observed: 1 variant allele.

NM_001105206.3(LAMA4):c.3793A>G (p.Thr1265Ala)

Gene: LAMA4 (laminin subunit alpha 4; minus strand). Cytogenetic location: 6q21.
Variant type: single nucleotide variant.
Coding change: c.3793A>G on transcript NM_001105206.3 (MANE Select); coding-DNA position 3793, A replaced by G.
Protein change: p.Thr1265Ala; replaces threonine 1265 with alanine.
Molecular consequence: missense variant.
Genome position (GRCh38, 1-based): chr6:112,132,794, T>C on the plus strand (A>G on the coding strand, the complement: LAMA4 is on the minus strand). VCF-style: chr6-112132794-T-C. GRCh37 (hg19) VCF-style: chr6-112453996-T-C.
Other names: c.3772A>G, p.Thr1258Ala (NM_001105207.3, NM_002290.5); c.3772A>G (NM_002290.3); short protein forms T1258A, T1265A.
Identifiers: ClinVar variation 1368459 (VCV001368459.9), dbSNP rs1179163721, ClinGen allele CA365374809.